The following is an entry in ClinVar:

ClinVar aggregate classification (germline): Likely benign. Review status: criteria provided, multiple submitters, no conflicts (2 of 4 stars). 2 submissions from 2 submitters: Likely benign (2). Last evaluated 2026-05-11.

Conditions:
SOX10-related disorder. Also called: SOX10-related condition.

Allele frequency attached by ClinVar (database versions not stated): 1000 Genomes Project 30x 0.00016.
gnomAD v4.1: 15 of 1,610,212 alleles (0.00093%); highest among the groups gnomAD compares: Admixed American, 0.025%; no homozygotes.

Submissions (2):

PreventionGenetics, part of Exact Sciences
Classification: Likely benign for SOX10-related condition. Last evaluated: 2026-05-11. Review status: criteria provided, single submitter. Criteria: ACMG Guidelines, 2015. Collection method: clinical testing. Allele origin: germline.
Comment: This variant is classified as likely benign based on ACMG/AMP sequence variant interpretation guidelines (Richards et al. 2015 PMID: 25741868, with internal and published modifications).

Labcorp Genetics (formerly Invitae), Labcorp
Classification: Likely benign. Last evaluated: 2022-01-14. Review status: criteria provided, single submitter. Criteria: Invitae Variant Classification Sherloc (09022015). Collection method: clinical testing. Allele origin: germline.

NM_006941.4(SOX10):c.207C>G (p.Pro69=)

Genes: POLR2F (RNA polymerase II, I and III subunit F; plus strand), SOX10 (SRY-box transcription factor 10; minus strand). Cytogenetic location: 22q13.1.
Variant type: single nucleotide variant.
Coding change: c.207C>G on transcript NM_006941.4 (MANE Select); coding-DNA position 207, C replaced by G.
Protein change: p.Pro69=; no amino-acid change (proline 69 retained).
Molecular consequence: synonymous variant. On other transcripts: intron variant (3).
Genome position (GRCh38, 1-based): chr22:37,983,578, G>C on the plus strand (C>G on the coding strand, the complement: SOX10 is on the minus strand). VCF-style: chr22-37983578-G-C. GRCh37 (hg19) VCF-style: chr22-38379585-G-C.
Other names: c.*38+11268G>C (NM_001363825.1); c.294-2576G>C (NM_001301130.2); c.293+16408G>C (NM_001301131.2).
Identifiers: ClinVar variation 1589356 (VCV001589356.9), dbSNP rs199963686, ClinGen allele CA10228712.